The following is an entry in ClinVar:

ClinVar aggregate classification (germline): Uncertain significance (1 of 4 stars; one submission).

Conditions:
Fibrous dysplasia of jaw (CRBM). Also called: Cherubism. Identifiers: Orphanet 184, MedGen C0008029, MONDO:0007315, OMIM 118400.

Submission:

Labcorp Genetics (formerly Invitae), Labcorp
Classification: Uncertain significance for Fibrous dysplasia of jaw. Last evaluated: 2025-12-23. Review status: criteria provided, single submitter. Criteria: Invitae Variant Classification Sherloc (09022015). Collection method: clinical testing. Allele origin: germline.
Comment: This sequence change replaces alanine, which is neutral and non-polar, with valine, which is neutral and non-polar, at codon 326 of the SH3BP2 protein (p.Ala326Val). This variant is not present in population databases (gnomAD no frequency). This variant has not been reported in the literature in individuals affected with SH3BP2-related conditions. ClinVar contains an entry for this variant (Variation ID: 1347646). Invitae Evidence Modeling of protein sequence and biophysical properties (such as structural, functional, and spatial information, amino acid conservation, physicochemical variation, residue mobility, and thermodynamic stability) indicates that this missense variant is not expected to disrupt SH3BP2 protein function with a negative predictive value of 95%. In summary, the available evidence is currently insufficient to determine the role of this variant in disease. Therefore, it has been classified as a Variant of Uncertain Significance.

NM_001122681.2(SH3BP2):c.977C>T (p.Ala326Val)

Gene: SH3BP2 (SH3 domain binding protein 2; plus strand). Cytogenetic location: 4p16.3.
Variant type: single nucleotide variant.
Coding change: c.977C>T on transcript NM_001122681.2 (MANE Select); coding-DNA position 977, C replaced by T.
Protein change: p.Ala326Val; replaces alanine 326 with valine.
Molecular consequence: missense variant.
Genome position (GRCh38, 1-based): chr4:2,829,883, C>T. VCF-style: chr4-2829883-C-T. GRCh37 (hg19) VCF-style: chr4-2831610-C-T.
Other names: c.1061C>T, p.Ala354Val (NM_001145855.2); c.1148C>T, p.Ala383Val (NM_001145856.2); c.977C>T, p.Ala326Val (NM_003023.4); short protein forms A354V, A383V, A326V.
Identifiers: ClinVar variation 1347646 (VCV001347646.6), dbSNP rs2108739016, ClinGen allele CA356056622.